The following is an entry in ClinVar:

NM_005751.5(AKAP9):c.11417-301C>G

Gene: AKAP9 (A-kinase anchoring protein 9; plus strand). Cytogenetic location: 7q21.2.
Variant type: single nucleotide variant.
Coding change: c.11417-301C>G on transcript NM_005751.5 (MANE Select); 301 bases into the intron before coding-DNA position 11417, C replaced by G.
Molecular consequence: intron variant.
Genome position (GRCh38, 1-based): chr7:92,106,992, C>G. VCF-style: chr7-92106992-C-G. GRCh37 (hg19) VCF-style: chr7-91736306-C-G.
Other names: c.11393-301C>G (NM_147185.3); c.6062-301C>G (NM_001379277.1).
Identifiers: ClinVar variation 675574 (VCV000675574.1), dbSNP rs116481253, ClinGen allele CA161903794.

ClinVar aggregate classification (germline): Benign (1 of 4 stars; one submission).

Allele frequency attached by ClinVar (database versions not stated): 1000 Genomes Project 0.02196; gnomAD 0.02233 and 0.02406; 1000 Genomes Project 30x 0.02264; TOPMed 0.02529.
gnomAD v4.1: 3,361 of 152,252 alleles (2.2%); highest among the groups gnomAD compares: African/African-American, 7.7%; 142 homozygotes.

Submission:

GeneDx
Classification: Benign. Last evaluated: 2018-06-16. Review status: criteria provided, single submitter. Criteria: GeneDx Variant Classification (06012015). Collection method: clinical testing. Allele origin: germline. Affected: yes.
Comment: This variant is considered likely benign or benign based on one or more of the following criteria: it is a conservative change, it occurs at a poorly conserved position in the protein, it is predicted to be benign by multiple in silico algorithms, and/or has population frequency not consistent with disease.